The following is an entry in ClinVar:

NM_000138.5(FBN1):c.7599T>C (p.Asn2533=)

Gene: FBN1 (fibrillin 1; minus strand). Cytogenetic location: 15q21.1.
Variant type: single nucleotide variant.
Coding change: c.7599T>C on transcript NM_000138.5 (MANE Select); coding-DNA position 7599, T replaced by C.
Protein change: p.Asn2533=; no amino-acid change (asparagine 2533 retained).
Molecular consequence: synonymous variant.
Genome position (GRCh38, 1-based): chr15:48,421,658, A>G on the plus strand (T>C on the coding strand, the complement: FBN1 is on the minus strand). VCF-style: chr15-48421658-A-G. GRCh37 (hg19) VCF-style: chr15-48713855-A-G.
Other names: c.7599T>C, p.Asn2533= (NM_001406716.1).
Identifiers: ClinVar variation 3386756 (VCV003386756.2).

ClinVar aggregate classification (germline): Likely benign. Review status: criteria provided, multiple submitters, no conflicts (2 of 4 stars). 2 submissions from 2 submitters: Likely benign (2). Last evaluated 2026-07-01.

Conditions:
Marfan syndrome (MFS). Also called: MARFAN SYNDROME, TYPE I; Marfan syndrome, classic; FBN1-Related Marfan Syndrome; Marfan syndrome type 1; Marfan's syndrome. Identifiers: Orphanet 284963, Orphanet 558, MedGen C0024796, MONDO:0007947, OMIM 154700.

gnomAD v4.1: 2 of 1,613,872 alleles (0.00012%); highest among the groups gnomAD compares: Admixed American, 0.0033%; no homozygotes.

Submissions (2):

CeGaT Center for Human Genetics Tuebingen
Classification: Likely benign. Last evaluated: 2026-07-01. Review status: criteria provided, single submitter. Criteria: CeGaT Center For Human Genetics Tuebingen Variant Classification Criteria Version 2. Collection method: clinical testing. Allele origin: germline. Affected: yes. Observed: 1 variant allele.
Comment: FBN1: BP4, BP7

All of Us Research Program, National Institutes of Health
Classification: Likely benign for Marfan syndrome. Last evaluated: 2024-05-14. Review status: criteria provided, single submitter. Criteria: ACMG Guidelines, 2015. Collection method: clinical testing. Allele origin: germline. Inheritance: Autosomal dominant inheritance. Observed: 1 variant allele, 1 heterozygote.
Comment: This study involves interpretation of variants in research participants for the purpose of population health screening. Participant phenotype was not available at the time of variant classification. Additional details can be found in publication PMID: 35346344, PMCID: PMC8962531